The following is an entry in ClinVar:

ClinVar aggregate classification (germline): Uncertain significance (1 of 4 stars; one submission).

Conditions:
Inborn genetic diseases. Identifiers: MedGen C0950123, MeSH D030342.

Submission:

Ambry Genetics
Classification: Uncertain significance for Inborn genetic diseases. Last evaluated: 2025-11-29. Review status: criteria provided, single submitter. Criteria: Ambry Variant Classification Scheme 2023. Collection method: clinical testing. Allele origin: germline.
Comment: The p.V468A variant (also known as c.1403T>C), located in coding exon 16 of the RTEL1 gene, results from a T to C substitution at nucleotide position 1403. The valine at codon 468 is replaced by alanine, an amino acid with similar properties. This amino acid position is conserved. In addition, this alteration is predicted to be tolerated by in silico analysis. Based on the available evidence, the clinical significance of this variant remains unclear.

NM_001283009.2(RTEL1):c.1403T>C (p.Val468Ala)

Genes: RTEL1 (regulator of telomere elongation helicase 1; plus strand), RTEL1-TNFRSF6B (RTEL1-TNFRSF6B readthrough (NMD candidate); plus strand). Cytogenetic location: 20q13.33.
Variant type: single nucleotide variant.
Coding change: c.1403T>C on transcript NM_001283009.2 (MANE Select); coding-DNA position 1403, T replaced by C.
Protein change: p.Val468Ala; replaces valine 468 with alanine.
Molecular consequence: missense variant. On other transcripts: non-coding transcript variant (1).
Genome position (GRCh38, 1-based): chr20:63,687,692, T>C. VCF-style: chr20-63687692-T-C. GRCh37 (hg19) VCF-style: chr20-62319045-T-C.
Other names: c.734T>C, p.Val245Ala (NM_001283010.1); c.1403T>C, p.Val468Ala (NM_016434.4); c.1475T>C, p.Val492Ala (NM_032957.5); short protein forms V245A, V468A, V492A.
Identifiers: ClinVar variation 4629631 (VCV004629631.1).